The following is an entry in ClinVar:

NM_018699.4(PRDM5):c.177+6G>T

Gene: PRDM5 (PR/SET domain 5; minus strand). Cytogenetic location: 4q27.
Variant type: single nucleotide variant.
Coding change: c.177+6G>T on transcript NM_018699.4 (MANE Select); 6 bases into the intron after coding-DNA position 177, G replaced by T.
Molecular consequence: intron variant.
Genome position (GRCh38, 1-based): chr4:120,907,468, C>A on the plus strand (G>T on the coding strand, the complement: PRDM5 is on the minus strand). VCF-style: chr4-120907468-C-A. GRCh37 (hg19) VCF-style: chr4-121828623-C-A.
Other names: p.?; c.177+6G>T (NM_001300824.2, NM_001379106.1, NM_001300823.2 and 1 more transcripts).
Identifiers: ClinVar variation 4684805 (VCV004684805.1).
Genomic context (GRCh38, chr4:120,907,468, plus strand): 5'-CTTAAAAATGCATTAAATGGTACAATACAAATATATTTTTAACATTAAAATAAGTCATAT[C>A]CTCACCTCCCACATCAACCTGTAATCCATATTTTCATCCAAGTCTTCAGGCATTCTCTTC-3'

ClinVar aggregate classification (germline): Likely benign (1 of 4 stars; one submission).

Submission:

Mayo Clinic Laboratories, Mayo Clinic
Classification: Likely benign. Last evaluated: 2025-01-02. Review status: criteria provided, single submitter. Criteria: ACMG Guidelines, 2015. Collection method: clinical testing. Allele origin: germline. Observed: 1 variant allele.
Comment: BP4, BP7, PM2_supporting